The following is an entry in ClinVar:

NM_004304.5(ALK):c.262C>T (p.Arg88Cys)

Gene: ALK (ALK receptor tyrosine kinase; minus strand). Cytogenetic location: 2p23.1.
Variant type: single nucleotide variant.
Coding change: c.262C>T on transcript NM_004304.5 (MANE Select); coding-DNA position 262, C replaced by T.
Protein change: p.Arg88Cys; replaces arginine 88 with cysteine.
Molecular consequence: missense variant.
Genome position (GRCh38, 1-based): chr2:29,920,398, G>A on the plus strand (C>T on the coding strand, the complement: ALK is on the minus strand). VCF-style: chr2-29920398-G-A. GRCh37 (hg19) VCF-style: chr2-30143264-G-A.
Other names: c.262C>T (NM_004304.4); short protein forms R88C.
Identifiers: ClinVar variation 2994218 (VCV002994218.4), dbSNP rs754768477, ClinGen allele CA346590377.

ClinVar aggregate classification (germline): Uncertain significance. Review status: criteria provided, multiple submitters, no conflicts (2 of 4 stars). 2 submissions from 2 submitters: Uncertain significance (2). Last evaluated 2026-02-24.

Conditions:
Neuroblastoma, susceptibility to, 3. Also called: ALK-Related Neuroblastic Tumor Susceptibility. Identifiers: Orphanet 635, MedGen C2751681, MONDO:0013083, OMIM 613014.
Hereditary cancer-predisposing syndrome. Also called: Neoplastic Syndromes, Hereditary; Tumor predisposition; Hereditary Cancer Syndrome; Hereditary neoplastic syndrome. Identifiers: Orphanet 140162, MedGen C0027672, MeSH D009386, MONDO:0015356.

Submissions (2):

Ambry Genetics
Classification: Uncertain significance for Hereditary cancer-predisposing syndrome. Last evaluated: 2026-02-24. Review status: criteria provided, single submitter. Criteria: Ambry Variant Classification Scheme 2023. Collection method: clinical testing. Allele origin: germline.
Comment: The p.R88C variant (also known as c.262C>T), located in coding exon 1 of the ALK gene, results from a C to T substitution at nucleotide position 262. The arginine at codon 88 is replaced by cysteine, an amino acid with highly dissimilar properties. This amino acid position is conserved. In addition, the in silico prediction for this alteration is inconclusive. Based on the available evidence, the clinical significance of this variant remains unclear.

Labcorp Genetics (formerly Invitae), Labcorp
Classification: Uncertain significance for Neuroblastoma, susceptibility to, 3. Last evaluated: 2023-07-14. Review status: criteria provided, single submitter. Criteria: Invitae Variant Classification Sherloc (09022015). Collection method: clinical testing. Allele origin: germline.
Comment: In summary, the available evidence is currently insufficient to determine the role of this variant in disease. Therefore, it has been classified as a Variant of Uncertain Significance. An algorithm developed to predict the effect of missense changes on protein structure and function (PolyPhen-2) suggests that this variant is likely to be tolerated. This variant has not been reported in the literature in individuals affected with ALK-related conditions. This variant is not present in population databases (gnomAD no frequency). This sequence change replaces arginine, which is basic and polar, with cysteine, which is neutral and slightly polar, at codon 88 of the ALK protein (p.Arg88Cys).